The following is an entry in ClinVar:

NM_000271.5(NPC1):c.2107T>A (p.Phe703Ile)

Gene: NPC1 (NPC intracellular cholesterol transporter 1; minus strand). Cytogenetic location: 18q11.2.
Variant type: single nucleotide variant.
Coding change: c.2107T>A on transcript NM_000271.5 (MANE Select); coding-DNA position 2107, T replaced by A.
Protein change: p.Phe703Ile; replaces phenylalanine 703 with isoleucine.
Molecular consequence: missense variant.
Genome position (GRCh38, 1-based): chr18:23,544,367, A>T on the plus strand (T>A on the coding strand, the complement: NPC1 is on the minus strand). VCF-style: chr18-23544367-A-T. GRCh37 (hg19) VCF-style: chr18-21124331-A-T.
Other names: short protein forms F703I.
Identifiers: ClinVar variation 4818055 (VCV004818055.1).

ClinVar aggregate classification (germline): Likely pathogenic (1 of 4 stars; one submission).

Conditions:
Niemann-Pick disease, type C1. Also called: NIEMANN-PICK DISEASE, VARIANT TYPE C1; NEUROVISCERAL STORAGE DISEASE WITH VERTICAL SUPRANUCLEAR OPHTHALMOPLEGIA; NIEMANN-PICK DISEASE WITH CHOLESTEROL ESTERIFICATION BLOCK; NIEMANN-PICK DISEASE WITHOUT SPHINGOMYELINASE DEFICIENCY; NIEMANN-PICK DISEASE, CHRONIC NEURONOPATHIC FORM. Identifiers: Orphanet 646, MedGen C3179455, MONDO:0009757, OMIM 257220.

gnomAD v4.1: 1 of 1,614,202 alleles (0.000062%); highest among the groups gnomAD compares: Non-Finnish European, 0.000085%; no homozygotes.

Submission:

Natera, Inc.
Classification: Likely pathogenic for Niemann-Pick disease type C1. Last evaluated: 2025-09-02. Review status: criteria provided, single submitter. Criteria: Natera Variant Classification Schema (03/2026). Collection method: clinical testing. Allele origin: germline.
Comment: The c.2107T>A variant in NPC1 is a missense variant predicted to cause substitution of phenylalanine to isoleucine at amino acid 703. This variant is rare in the general population with a frequency below the threshold expected for the associated phenotype(s). This variant has been observed in one or more individuals affected with the associated recessive disease, as either homozygous or compound heterozygous with a second variant (PMID: 32921771). Additionally, this variant has been observed to segregate in affected family members (PMID: 32921771). Computational prediction algorithms indicate this variant is likely to affect gene or protein function. Given the available evidence, this variant is classified as Likely Pathogenic.

Literature cited by the submitters: PubMed 32921771.